The following is an entry in ClinVar:

NM_173598.6(KSR2):c.1731T>C (p.Asp577=)

Gene: KSR2 (kinase suppressor of ras 2; minus strand). Cytogenetic location: 12q24.22.
Variant type: single nucleotide variant.
Coding change: c.1731T>C on transcript NM_173598.6 (MANE Select); coding-DNA position 1731, T replaced by C.
Protein change: p.Asp577=; no amino-acid change (aspartic acid 577 retained).
Molecular consequence: synonymous variant.
Genome position (GRCh38, 1-based): chr12:117,531,012, A>G on the plus strand (T>C on the coding strand, the complement: KSR2 is on the minus strand). VCF-style: chr12-117531012-A-G. GRCh37 (hg19) VCF-style: chr12-117968817-A-G.
Identifiers: ClinVar variation 3354429 (VCV003354429.1).
Genomic context (GRCh38, chr12:117,531,012, plus strand): 5'-GGTCACCGGATGCAGGATGACCTGGGGCGCCCGGGTCGGCGTCTCCGGCACCGGCACCAC[A>G]TCTGAAAACCAGAGATTGAACACTCAGAAAAAAAATGTGAAGTCCACAACCCCCGCAAAG-3'
Protein context (NP_775869.4, residues 567-587): YKYKQQFIFP[Asp577=]VVPVPETPTR

ClinVar aggregate classification (germline): Likely benign (0 of 4 stars; one submission).

Conditions:
KSR2-related disorder. Also called: KSR2-related condition.

gnomAD v4.1: 6 of 1,613,498 alleles (0.00037%); highest among the groups gnomAD compares: Non-Finnish European, 0.00051%; no homozygotes.

Submission:

PreventionGenetics, part of Exact Sciences
Classification: Likely benign for KSR2-related condition. Last evaluated: 2022-04-25. Review status: no assertion criteria provided. Collection method: clinical testing. Allele origin: germline.
Comment: This variant is classified as likely benign based on ACMG/AMP sequence variant interpretation guidelines (Richards et al. 2015 PMID: 25741868, with internal and published modifications).